The following is an entry in ClinVar:

NM_000218.3(KCNQ1):c.1131C>T (p.Thr377=)

Gene: KCNQ1 (potassium voltage-gated channel subfamily Q member 1; plus strand). Cytogenetic location: 11p15.5.
Variant type: single nucleotide variant.
Coding change: c.1131C>T on transcript NM_000218.3 (MANE Select); coding-DNA position 1131, C replaced by T.
Protein change: p.Thr377=; no amino-acid change (threonine 377 retained).
Molecular consequence: synonymous variant.
Genome position (GRCh38, 1-based): chr11:2,587,572, C>T. VCF-style: chr11-2587572-C-T. GRCh37 (hg19) VCF-style: chr11-2608802-C-T.
Other names: c.1035C>T, p.Thr345= (NM_001406836.1); c.861C>T, p.Thr287= (NM_001406837.1); c.591C>T, p.Thr197= (NM_001406838.1); c.750C>T, p.Thr250= (NM_181798.2).
Identifiers: ClinVar variation 922284 (VCV000922284.18), dbSNP rs763723387, ClinGen allele CA027342.
Genomic context (GRCh38, chr11:2,587,572, plus strand): 5'-TAAGGGCCCCCGCCGGGTGGCTCAGCAGGTGACAGCCTGTCCCCCTGCCCGACCTCAGAC[C>T]GCATGGAGGTGCTATGCTGCCGAGAACCCCGACTCCTCCACCTGGAAGATCTACATCCGG-3'
Protein context (NP_000209.2, residues 367-387): QIPAAASLIQ[Thr377=]AWRCYAAENP

ClinVar aggregate classification (germline): Likely benign. Review status: criteria provided, multiple submitters, no conflicts (2 of 4 stars). 5 submissions from 5 submitters: Likely benign (5). Last evaluated 2024-12-20.

Conditions:
Cardiovascular phenotype. Identifiers: MedGen CN230736.
Cardiac arrhythmia. Also called: Arrhythmia; Cardiac rhythm disease. Identifiers: MedGen C0003811, MONDO:0007263, HP:0011675.
Long QT syndrome (LQTS). Identifiers: MedGen C0023976, MeSH D008133, MONDO:0002442. Disease mechanism: loss of function. Inheritance: Various modes of inheritance.

Allele frequency attached by ClinVar (database versions not stated): TOPMed below 0.00001; ExAC 0.00001; gnomAD exomes 0.00001 and 0.00002.
gnomAD v4.1: 27 of 1,613,734 alleles (0.0017%); highest among the groups gnomAD compares: African/African-American, 0.0027%; no homozygotes.

Submissions (5):

Labcorp Genetics (formerly Invitae), Labcorp
Classification: Likely benign for Long QT syndrome. Last evaluated: 2024-12-20. Review status: criteria provided, single submitter. Criteria: Invitae Variant Classification Sherloc (09022015). Collection method: clinical testing. Allele origin: germline.

All of Us Research Program, National Institutes of Health
Classification: Likely benign for Long QT syndrome. Last evaluated: 2024-02-05. Review status: criteria provided, single submitter. Criteria: ACMG Guidelines, 2015. Collection method: clinical testing. Allele origin: germline. Inheritance: Autosomal dominant inheritance. Observed: 4 variant alleles, 4 heterozygotes.
Comment: This study involves interpretation of variants in research participants for the purpose of population health screening. Participant phenotype was not available at the time of variant classification. Additional details can be found in publication PMID: 35346344, PMCID: PMC8962531

Ambry Genetics
Classification: Likely benign for Cardiovascular phenotype. Last evaluated: 2022-09-28. Review status: criteria provided, single submitter. Criteria: Ambry Variant Classification Scheme 2023. Collection method: clinical testing. Allele origin: germline.

GeneDx
Classification: Likely benign. Last evaluated: 2021-03-31. Review status: criteria provided, single submitter. Criteria: GeneDx Variant Classification Process June 2021. Collection method: clinical testing. Allele origin: germline. Affected: yes.

Color Diagnostics, LLC DBA Color Health
Classification: Likely benign for Arrhythmia. Last evaluated: 2018-11-25. Review status: criteria provided, single submitter. Criteria: ACMG Guidelines, 2015. Collection method: clinical testing. Allele origin: germline.